The following is an entry in ClinVar:

NM_000548.5(TSC2):c.649-13C>T

Gene: TSC2 (TSC complex subunit 2; plus strand). Cytogenetic location: 16p13.3.
Variant type: single nucleotide variant.
Coding change: c.649-13C>T on transcript NM_000548.5 (MANE Select); 13 bases into the intron before coding-DNA position 649, C replaced by T.
Molecular consequence: intron variant.
Genome position (GRCh38, 1-based): chr16:2,056,631, C>T. VCF-style: chr16-2056631-C-T. GRCh37 (hg19) VCF-style: chr16-2106632-C-T.
Other names: c.649-13C>T (NM_001370404.1, NM_001077183.3, NM_001114382.3 and 3 more transcripts); c.538-13C>T (NM_001318827.2); c.49-13C>T (NM_001318831.2); c.502-13C>T (NM_001318829.2); c.682-13C>T (NM_001318832.2).
Identifiers: ClinVar variation 1692511 (VCV001692511.5), dbSNP rs1290261668, ClinGen allele CA620373167.

ClinVar aggregate classification (germline): Conflicting classifications of pathogenicity. Review status: criteria provided, conflicting classifications (1 of 4 stars). 3 submissions from 3 submitters: Uncertain significance (1); Likely benign (2). Last evaluated 2025-10-02.

Conditions:
Hereditary cancer-predisposing syndrome. Also called: Neoplastic Syndromes, Hereditary; Hereditary Cancer Syndrome; Tumor predisposition; Hereditary neoplastic syndrome. Identifiers: Orphanet 140162, MedGen C0027672, MeSH D009386, MONDO:0015356.
Tuberous sclerosis 2 (TSC2). Identifiers: Orphanet 805, MedGen C1860707, MONDO:0013199, OMIM 613254.

Allele frequency attached by ClinVar (database versions not stated): gnomAD exomes below 0.00001; TOPMed 0.00001.
gnomAD v4.1: 3 of 1,608,648 alleles (0.00019%); highest among the groups gnomAD compares: South Asian, 0.0011%; no homozygotes.

Submissions (3):

Labcorp Genetics (formerly Invitae), Labcorp
Classification: Likely benign for Tuberous sclerosis 2. Last evaluated: 2025-10-02. Review status: criteria provided, single submitter. Criteria: Invitae Variant Classification Sherloc (09022015). Collection method: clinical testing. Allele origin: germline.

Myriad Genetics, Inc.
Classification: Likely benign for Tuberous sclerosis 2. Last evaluated: 2025-05-08. Review status: criteria provided, single submitter. Criteria: Myriad Autosomal Dominant, Autosomal Recessive and X-Linked Classification Criteria (2023). Collection method: clinical testing. Allele origin: unknown.
Comment: This variant is considered likely benign. This variant is intronic and is not expected to impact mRNA splicing.

Sema4
Classification: Uncertain significance for Hereditary cancer-predisposing syndrome. Last evaluated: 2021-11-22. Review status: criteria provided, single submitter. Criteria: Sema4 Curation Guidelines. Collection method: curation. Allele origin: germline.
Comment: The TSC2 c.649-13C>T variant has not been reported in the literature to our knowledge. This variant was observed in 1/113494 chromosomes in the Non-Finnish European subpopulation in the large and broad cohorts of the Genome Aggregation Database (PMID: 32461654). The variant has not been reported in ClinVar. The evidence is insufficient to meet ACMG/AMP criteria for classifying the variant as benign or pathogenic. Thus, the clinical significance of this variant is currently uncertain.